The following is an entry in ClinVar:

ClinVar aggregate classification (germline): Benign/Likely benign. Review status: criteria provided, multiple submitters, no conflicts (2 of 4 stars). 6 submissions from 6 submitters: Benign (2); Likely benign (2). 2 of the submissions do not count toward it. Last evaluated 2026-01-30.

Conditions:
Polycystic kidney disease, adult type (PKD1). Also called: Polycystic Kidney, Autosomal Dominant; POLYCYSTIC KIDNEY DISEASE 1 WITH OR WITHOUT POLYCYSTIC LIVER DISEASE; Polycystic Kidney Disease 1, Autosomal Dominant; Polycystic kidney disease 1; Polycystic kidney disease 1, severe; POLYCYSTIC KIDNEY DISEASE, ADULT, TYPE I. Identifiers: MedGen C3149841, MONDO:0008263, OMIM 173900.

Allele frequency attached by ClinVar (database versions not stated): ESP Exome Variant Server 0.00062; TOPMed 0.00068; 1000 Genomes Project 30x 0.00078; 1000 Genomes Project 0.00100; gnomAD exomes 0.00159 and 0.00222; gnomAD 0.00195 and 0.00202; ExAC 0.00224.

Submissions (6):

Women's Health and Genetics/Laboratory Corporation of America, LabCorp
Classification: Likely benign. Last evaluated: 2026-01-30. Review status: criteria provided, single submitter. Criteria: LabCorp Variant Classification Summary - May 2015. Collection method: clinical testing. Allele origin: germline.

Blueprint Genetics
Classification: Benign. Last evaluated: 2024-11-27. Review status: criteria provided, single submitter. Criteria: ACMG Guidelines, 2015. Collection method: clinical testing. Allele origin: germline.

CeGaT Center for Human Genetics Tuebingen
Classification: Likely benign. Last evaluated: 2024-05-01. Review status: criteria provided, single submitter. Criteria: CeGaT Center For Human Genetics Tuebingen Variant Classification Criteria Version 2. Collection method: clinical testing. Allele origin: germline. Affected: yes. Observed: 5 variant alleles.
Comment: PKD1: BP4, BP7

Department of Pathology and Laboratory Medicine, Sinai Health System
Classification: Benign for Polycystic kidney disease, adult type. Last evaluated: 2022-06-21. Review status: criteria provided, single submitter. Criteria: ACMG Guidelines, 2015. Collection method: clinical testing. Allele origin: germline. Affected: yes.

Genome Diagnostics Laboratory, University Medical Center Utrecht
Classification: Benign. Review status: no assertion criteria provided. Collection method: clinical testing. Allele origin: germline. Affected: yes. Study: VKGL Data-share Consensus. Not counted in ClinVar's aggregate classification.

Laboratory of Diagnostic Genome Analysis, Leiden University Medical Center (LUMC)
Classification: Likely benign. Review status: no assertion criteria provided. Collection method: clinical testing. Allele origin: germline. Affected: yes. Study: VKGL Data-share Consensus. Not counted in ClinVar's aggregate classification.

NM_001009944.3(PKD1):c.12664C>T (p.Leu4222=)

Gene: PKD1 (polycystin 1, transient receptor potential channel interacting; minus strand). Cytogenetic location: 16p13.3.
Variant type: single nucleotide variant.
Coding change: c.12664C>T on transcript NM_001009944.3 (MANE Select); coding-DNA position 12664, C replaced by T.
Protein change: p.Leu4222=; no amino-acid change (leucine 4222 retained).
Molecular consequence: synonymous variant.
Genome position (GRCh38, 1-based): chr16:2,089,975, G>A on the plus strand (C>T on the coding strand, the complement: PKD1 is on the minus strand). VCF-style: chr16-2089975-G-A. GRCh37 (hg19) VCF-style: chr16-2139976-G-A.
Other names: c.12661C>T, p.Leu4221= (NM_000296.4); c.12664C>T (NM_001009944.2).
Identifiers: ClinVar variation 1328006 (VCV001328006.28), dbSNP rs144370969, ClinGen allele CA7828508.
Genomic context (GRCh38, chr16:2,089,975, plus strand): 5'-GCTGCTCCAGCTGGTAGACGTCCTCTGTGGCCTGGTTGAGTCGGTCAAACTGGGTGAGCA[G>A]GGCCTCGAACACGGCTTGGAGGCGGGAGGGCTCAGGCTCACACCTTGTCCCCAGCCGGCC-3'
Protein context (NP_001009944.3, residues 4212-4232): PSRLQAVFEA[Leu4222=]LTQFDRLNQA